The following is an entry in ClinVar:

NM_024334.3(TMEM43):c.692C>T (p.Pro231Leu)

Gene: TMEM43 (transmembrane protein 43; plus strand). Cytogenetic location: 3p25.1.
Variant type: single nucleotide variant.
Coding change: c.692C>T on transcript NM_024334.3 (MANE Select); coding-DNA position 692, C replaced by T.
Protein change: p.Pro231Leu; replaces proline 231 with leucine.
Molecular consequence: missense variant.
Genome position (GRCh38, 1-based): chr3:14,134,878, C>T. VCF-style: chr3-14134878-C-T. GRCh37 (hg19) VCF-style: chr3-14176378-C-T.
Other names: short protein forms P231L.
Identifiers: ClinVar variation 241469 (VCV000241469.22), dbSNP rs533275736, ClinGen allele CA054870.

ClinVar aggregate classification (germline): Benign/Likely benign. Review status: criteria provided, multiple submitters, no conflicts (2 of 4 stars). 6 submissions from 6 submitters: Benign (1); Likely benign (5). Last evaluated 2025-11-13.

Conditions:
Cardiovascular phenotype. Identifiers: MedGen CN230736.
Cardiomyopathy (CMYO). Also called: Cardiomyopathies. Identifiers: Orphanet 167848, MedGen C0878544, MONDO:0004994, HP:0001638. Inheritance: Various modes of inheritance.
Arrhythmogenic right ventricular dysplasia 5. Also called: Arrhythmogenic Right Ventricular Dysplasia/Cardiomyopathy 5; ARRHYTHMOGENIC RIGHT VENTRICULAR DYSPLASIA, FAMILIAL, 5. Identifiers: MedGen C1858379, MONDO:0011459, OMIM 604400.

Allele frequency attached by ClinVar (database versions not stated): gnomAD 0.00003; gnomAD exomes 0.00004 and 0.00016; TOPMed 0.00010; ExAC 0.00019.
gnomAD v4.1: 73 of 1,614,148 alleles (0.0045%); highest among the groups gnomAD compares: Admixed American, 0.077%; no homozygotes.

Submissions (6):

Labcorp Genetics (formerly Invitae), Labcorp
Classification: Likely benign for Arrhythmogenic right ventricular dysplasia 5. Last evaluated: 2025-11-13. Review status: criteria provided, single submitter. Criteria: Invitae Variant Classification Sherloc (09022015). Collection method: clinical testing. Allele origin: germline.

Women's Health and Genetics/Laboratory Corporation of America, LabCorp
Classification: Likely benign. Last evaluated: 2025-02-10. Review status: criteria provided, single submitter. Criteria: LabCorp Variant Classification Summary - May 2015. Collection method: clinical testing. Allele origin: germline.
Comment: Variant summary: TMEM43 c.692C>T (p.Pro231Leu) results in a non-conservative amino acid change in the encoded protein sequence. Three of five in-silico tools predict a damaging effect of the variant on protein function. The variant allele was found at a frequency of 0.00016 in 251310 control chromosomes, predominantly at a frequency of 0.00098 within the Latino subpopulation in the gnomAD database. The observed variant frequency within Latino control individuals in the gnomAD database is approximately 117.6 fold of the estimated maximal expected allele frequency for a pathogenic variant in TMEM43 causing Arrhythmogenic Right Ventricular Dysplasia/Cardiomyopathy phenotype (8.3e-06). To our knowledge, no occurrence of c.692C>T in individuals affected with Arrhythmogenic Right Ventricular Dysplasia/Cardiomyopathy and no experimental evidence demonstrating its impact on protein function have been reported. ClinVar contains an entry for this variant (Variation ID: 241469). Based on the evidence outlined above, the variant was classified as likely benign.

Blueprint Genetics
Classification: Likely benign. Last evaluated: 2023-06-07. Review status: criteria provided, single submitter. Criteria: ACMG Guidelines, 2015. Collection method: clinical testing. Allele origin: germline.

Ambry Genetics
Classification: Benign for Cardiovascular phenotype. Last evaluated: 2021-11-18. Review status: criteria provided, single submitter. Criteria: Ambry Variant Classification Scheme 2023. Collection method: clinical testing. Allele origin: germline.

GeneDx
Classification: Likely benign. Last evaluated: 2021-06-25. Review status: criteria provided, single submitter. Criteria: GeneDx Variant Classification Process June 2021. Collection method: clinical testing. Allele origin: germline. Affected: yes.
Comment: In silico analysis supports that this missense variant has a deleterious effect on protein structure/function; Has not been previously published as pathogenic or benign to our knowledge; This variant is associated with the following publications: (PMID: 26582918, 27535533)

Color Diagnostics, LLC DBA Color Health
Classification: Likely benign for Cardiomyopathy. Last evaluated: 2019-10-31. Review status: criteria provided, single submitter. Criteria: ACMG Guidelines, 2015. Collection method: clinical testing. Allele origin: germline.